The following is an entry in ClinVar:

NM_005898.5(CAPRIN1):c.556T>G (p.Leu186Val)

Gene: CAPRIN1 (cell cycle associated protein 1; plus strand). Cytogenetic location: 11p13.
Variant type: single nucleotide variant.
Coding change: c.556T>G on transcript NM_005898.5 (MANE Select); coding-DNA position 556, T replaced by G.
Protein change: p.Leu186Val; replaces leucine 186 with valine.
Molecular consequence: missense variant.
Genome position (GRCh38, 1-based): chr11:34,076,425, T>G. VCF-style: chr11-34076425-T-G. GRCh37 (hg19) VCF-style: chr11-34097972-T-G.
Other names: c.556T>G, p.Leu186Val (NM_203364.3); short protein forms L186V.
Identifiers: ClinVar variation 4540131 (VCV004540131.1).
Genomic context (GRCh38, chr11:34,076,425, plus strand): 5'-ACTGACCTGAAACAAGGTTTGAATGGAGTGCCAATATTGTCCGAAGAGGAGTTGTCATTG[T>G]TGGATGAATTCTATAAGCTAGTAGACCCTGAACGGGACATGAGCTTGAGGTATTAGTGGT-3'
Protein context (NP_005889.3, residues 176-196): PILSEEELSL[Leu186Val]DEFYKLVDPE

ClinVar aggregate classification (germline): Uncertain significance (1 of 4 stars; one submission).

Submission:

GeneDx
Classification: Uncertain significance. Last evaluated: 2025-06-17. Review status: criteria provided, single submitter. Criteria: GeneDx Variant Classification Process June 2021. Collection method: clinical testing. Allele origin: germline. Affected: yes.
Comment: Not observed at significant frequency in large population cohorts (gnomAD); In silico analysis supports that this missense variant has a deleterious effect on protein structure/function; Has not been previously published as pathogenic or benign to our knowledge